The following is an entry in ClinVar:

NM_033004.4(NLRP1):c.3171G>C (p.Leu1057Phe)

Gene: NLRP1 (NLR family pyrin domain containing 1; minus strand). Cytogenetic location: 17p13.2.
Variant type: single nucleotide variant.
Coding change: c.3171G>C on transcript NM_033004.4 (MANE Select); coding-DNA position 3171, G replaced by C.
Protein change: p.Leu1057Phe; replaces leucine 1057 with phenylalanine.
Molecular consequence: missense variant.
Genome position (GRCh38, 1-based): chr17:5,532,947, C>G on the plus strand (G>C on the coding strand, the complement: NLRP1 is on the minus strand). VCF-style: chr17-5532947-C-G. GRCh37 (hg19) VCF-style: chr17-5436267-C-G.
Other names: c.3183G>C, p.Leu1061Phe (NM_001033053.3); c.3171G>C, p.Leu1057Phe (NM_014922.5); c.3081G>C, p.Leu1027Phe (NM_033006.4, NM_033007.4); short protein forms L1057F, L1061F, L1027F.
Identifiers: ClinVar variation 4720994 (VCV004720994.1).

ClinVar aggregate classification (germline): Uncertain significance (1 of 4 stars; one submission).

gnomAD v4.1: 2 of 1,613,962 alleles (0.00012%); highest among the groups gnomAD compares: Non-Finnish European, 0.00017%; no homozygotes.

Submission:

Labcorp Genetics (formerly Invitae), Labcorp
Classification: Uncertain significance. Last evaluated: 2025-07-21. Review status: criteria provided, single submitter. Criteria: Invitae Variant Classification Sherloc (09022015). Collection method: clinical testing. Allele origin: germline.
Comment: This sequence change replaces leucine, which is neutral and non-polar, with phenylalanine, which is neutral and non-polar, at codon 1057 of the NLRP1 protein (p.Leu1057Phe). This variant is not present in population databases (gnomAD no frequency). This variant has not been reported in the literature in individuals affected with NLRP1-related conditions. An algorithm developed to predict the effect of missense changes on protein structure and function outputs the following: PolyPhen-2: "Benign". The phenylalanine amino acid residue is found in multiple mammalian species, which suggests that this missense change does not adversely affect protein function. In summary, the available evidence is currently insufficient to determine the role of this variant in disease. Therefore, it has been classified as a Variant of Uncertain Significance.